The following is an entry in ClinVar:

ClinVar aggregate classification (germline): Uncertain significance (1 of 4 stars; one submission).

Submission:

Ambry Genetics
Classification: Uncertain significance. Last evaluated: 2025-08-09. Review status: criteria provided, single submitter. Criteria: Ambry Variant Classification Scheme 2023. Collection method: clinical testing. Allele origin: germline.
Comment: The p.P700R variant (also known as c.2099C>G), located in coding exon 9 of the WNK2 gene, results from a C to G substitution at nucleotide position 2099. The proline at codon 700 is replaced by arginine, an amino acid with dissimilar properties. This amino acid position is conserved. In addition, this alteration is predicted to be tolerated by in silico analysis. Based on the available evidence, the clinical significance of this variant remains unclear.

NM_006648.4(WNK2):c.2099C>G (p.Pro700Arg)

Gene: WNK2 (WNK lysine deficient protein kinase 2; plus strand). Cytogenetic location: 9q22.31.
Variant type: single nucleotide variant.
Coding change: c.2099C>G on transcript NM_006648.4 (MANE Select); coding-DNA position 2099, C replaced by G.
Protein change: p.Pro700Arg; replaces proline 700 with arginine.
Molecular consequence: missense variant.
Genome position (GRCh38, 1-based): chr9:93,256,363, C>G. VCF-style: chr9-93256363-C-G. GRCh37 (hg19) VCF-style: chr9-96018645-C-G.
Other names: c.2099C>G, p.Pro700Arg (NM_001282394.3); short protein forms P700R.
Identifiers: ClinVar variation 4201728 (VCV004201728.1).